The following is an entry in ClinVar:

NM_001394062.1(MACF1):c.1382C>T (p.Pro461Leu)

Gene: MACF1 (microtubule actin crosslinking factor 1; plus strand). Cytogenetic location: 1p34.3.
Variant type: single nucleotide variant.
Coding change: c.1382C>T on transcript NM_001394062.1 (MANE Select); coding-DNA position 1382, C replaced by T.
Protein change: p.Pro461Leu; replaces proline 461 with leucine.
Molecular consequence: missense variant.
Genome position (GRCh38, 1-based): chr1:39,285,632, C>T. VCF-style: chr1-39285632-C-T. GRCh37 (hg19) VCF-style: chr1-39751304-C-T.
Other names: c.1397C>T, p.Pro466Leu (NM_012090.5); short protein forms P461L, P466L.
Identifiers: ClinVar variation 2543583 (VCV002543583.5), dbSNP rs138060421, ClinGen allele CA779422.
Genomic context (GRCh38, chr1:39,285,632, plus strand): 5'-TTTCCCACTGTTATTCTCTCTTCCTGTCTCAGGATGCTGCTCACCTGGAATCAGGACAAC[C>T]GGTACAATGTGAGTCAGATGTCATTATGTACATTCAGGAGTGTGAAGGTCTCATCAGGCA-3'
Protein context (NP_001380991.1, residues 451-471): ADAAHLESGQ[Pro461Leu]VQCESDVIMY

ClinVar aggregate classification (germline): Conflicting classifications of pathogenicity. Review status: criteria provided, conflicting classifications (1 of 4 stars). 2 submissions from 2 submitters: Uncertain significance (1); Likely benign (1). Last evaluated 2024-10-23.

Conditions:
Inborn genetic diseases. Identifiers: MedGen C0950123, MeSH D030342.

Allele frequency attached by ClinVar (database versions not stated): ESP Exome Variant Server 0.00015.
gnomAD v4.1: 37 of 1,613,896 alleles (0.0023%); highest among the groups gnomAD compares: South Asian, 0.0066%; no homozygotes.

Submissions (2):

Labcorp Genetics (formerly Invitae), Labcorp
Classification: Uncertain significance. Last evaluated: 2024-10-23. Review status: criteria provided, single submitter. Criteria: Invitae Variant Classification Sherloc (09022015). Collection method: clinical testing. Allele origin: germline.
Comment: This sequence change replaces proline, which is neutral and non-polar, with leucine, which is neutral and non-polar, at codon 466 of the MACF1 protein (p.Pro466Leu). This variant is present in population databases (rs138060421, gnomAD 0.03%). This variant has not been reported in the literature in individuals affected with MACF1-related conditions. ClinVar contains an entry for this variant (Variation ID: 2543583). An algorithm developed to predict the effect of missense changes on protein structure and function (PolyPhen-2) suggests that this variant is likely to be tolerated. In summary, the available evidence is currently insufficient to determine the role of this variant in disease. Therefore, it has been classified as a Variant of Uncertain Significance.

Ambry Genetics
Classification: Likely benign for Inborn genetic diseases. Last evaluated: 2023-04-05. Review status: criteria provided, single submitter. Criteria: Ambry Variant Classification Scheme 2023. Collection method: clinical testing. Allele origin: germline.